The following is an entry in ClinVar:

NM_001330063.2(ANKFY1):c.2997C>G (p.Ala999=)

Gene: ANKFY1 (ankyrin repeat and FYVE domain containing 1; minus strand). Cytogenetic location: 17p13.2.
Variant type: single nucleotide variant.
Coding change: c.2997C>G on transcript NM_001330063.2 (MANE Select); coding-DNA position 2997, C replaced by G.
Protein change: p.Ala999=; no amino-acid change (alanine 999 retained).
Molecular consequence: synonymous variant. On other transcripts: non-coding transcript variant (1).
Genome position (GRCh38, 1-based): chr17:4,173,371, G>C on the plus strand (C>G on the coding strand, the complement: ANKFY1 is on the minus strand). VCF-style: chr17-4173371-G-C. GRCh37 (hg19) VCF-style: chr17-4076666-G-C.
Other names: c.3123C>G, p.Ala1041= (NM_001257999.3); c.3000C>G, p.Ala1000= (NM_016376.5).
Identifiers: ClinVar variation 3058380 (VCV003058380.2), dbSNP rs539856863, ClinGen allele CA8300977.

ClinVar aggregate classification (germline): Likely benign (0 of 4 stars; one submission).

Conditions:
ANKFY1-related disorder. Also called: ANKFY1-related condition.

gnomAD v4.1: 93 of 1,614,142 alleles (0.0058%); highest among the groups gnomAD compares: East Asian, 0.2%; 1 homozygote.

Submission:

PreventionGenetics, part of Exact Sciences
Classification: Likely benign for ANKFY1-related condition. Last evaluated: 2021-04-26. Review status: no assertion criteria provided. Collection method: clinical testing. Allele origin: germline.
Comment: This variant is classified as likely benign based on ACMG/AMP sequence variant interpretation guidelines (Richards et al. 2015 PMID: 25741868, with internal and published modifications).